The following is an entry in ClinVar:

ClinVar aggregate classification (germline): Likely benign (0 of 4 stars; one submission).

Conditions:
ATP8B1-related disorder. Also called: ATP8B1-related condition; ATP8B1-related disorders.

gnomAD v4.1: 16 of 1,527,910 alleles (0.001%); highest among the groups gnomAD compares: Non-Finnish European, 0.0015%; no homozygotes.

Submission:

PreventionGenetics, part of Exact Sciences
Classification: Likely benign for ATP8B1-related condition. Last evaluated: 2023-10-17. Review status: no assertion criteria provided. Collection method: clinical testing. Allele origin: germline.
Comment: This variant is classified as likely benign based on ACMG/AMP sequence variant interpretation guidelines (Richards et al. 2015 PMID: 25741868, with internal and published modifications).

NM_001374385.1(ATP8B1):c.1029+5T>G

Genes: ATP8B1 (ATPase phospholipid transporting 8B1; minus strand), LOC126862761 (CDK7 strongly-dependent group 2 enhancer GRCh37_chr18:55360919-55362118; plus strand). Cytogenetic location: 18q21.31.
Variant type: single nucleotide variant.
Coding change: c.1029+5T>G on transcript NM_001374385.1 (MANE Select); 5 bases into the intron after coding-DNA position 1029, T replaced by G.
Molecular consequence: intron variant.
Genome position (GRCh38, 1-based): chr18:57,694,577, A>C on the plus strand (T>G on the coding strand, the complement: ATP8B1 is on the minus strand). VCF-style: chr18-57694577-A-C. GRCh37 (hg19) VCF-style: chr18-55361809-A-C.
Other names: c.879+5T>G (NM_001374386.1); c.1029+5T>G (NM_005603.6).
Identifiers: ClinVar variation 3036017 (VCV003036017.2), dbSNP rs200663890, ClinGen allele CA2576512567.